The following is an entry in ClinVar:

ClinVar aggregate classification (germline): Likely pathogenic (1 of 4 stars; one submission).

Conditions:
Myopathy, lactic acidosis, and sideroblastic anemia. Also called: Mitochondrial myopathy and sideroblastic anemia; Myopathy with lactic acidosis and sideroblastic anemia. Identifiers: Orphanet 2598, MedGen C1838103, MONDO:0000863.

Submission:

Natera, Inc.
Classification: Likely pathogenic for Mitochondrial myopathy and sideroblastic anemia. Last evaluated: 2024-04-09. Review status: criteria provided, single submitter. Criteria: Natera Variant Classification Schema (03/2026). Collection method: clinical testing. Allele origin: germline.
Comment: The c.1128_1131delCATC variant in PUS1 is a frameshift variant predicted to shift the reading frame beginning at codon 377 and leads to a stop codon 14 codons downstream. This variant is expected to result in nonsense mediated decay, truncation, or a dysfunctional protein product. This variant is rare in the general population with a frequency below the threshold expected for the associated phenotype(s). Given the available evidence, this variant is classified as Likely Pathogenic.

NM_025215.6(PUS1):c.1128_1131del (p.Ile377fs)

Gene: PUS1 (pseudouridine synthase 1; plus strand). Cytogenetic location: 12q24.33.
Variant type: Deletion.
Coding change: c.1128_1131del on transcript NM_025215.6 (MANE Select); coding-DNA positions 1128 to 1131, 4 bases deleted (CATC; older notation c.1128_1131delCATC).
Protein change: p.Ile377fs; shifts the reading frame from isoleucine 377.
Molecular consequence: frameshift variant.
Genome position (GRCh38, 1-based): chr12:131,941,875-131,941,878, CATC deleted; deleting any 4 consecutive bases within chr12:131,941,874-131,941,878 gives the same sequence; the c. name uses the placement nearest the transcript's 3' end. VCF-style (leftmost placement, unchanged base first): chr12-131941873-ACCAT-A. GRCh37 (hg19) VCF-style: chr12-132426418-ACCAT-A.
Other names: c.1044_1047del, p.Ile349fs (NM_001002019.3, NM_001002020.3); short protein forms I349fs, I377fs.
Identifiers: ClinVar variation 4816249 (VCV004816249.1).